The following is an entry in ClinVar:

ClinVar aggregate classification (germline): Benign. Review status: criteria provided, multiple submitters, no conflicts (2 of 4 stars). 2 submissions from 2 submitters: Benign (2). Last evaluated 2021-02-23.

Allele frequency attached by ClinVar (database versions not stated): 1000 Genomes Project 0.08886; ESP Exome Variant Server 0.09073; 1000 Genomes Project 30x 0.09244; gnomAD 0.09826 and 0.09868; gnomAD exomes 0.12102 and 0.12609; ExAC 0.12417.
gnomAD v4.1: 191,215 of 1,613,790 alleles (12%); highest among the groups gnomAD compares: Admixed American, 20%; 12,512 homozygotes.

Submissions (2):

GeneDx
Classification: Benign. Last evaluated: 2021-02-23. Review status: criteria provided, single submitter. Criteria: GeneDx Variant Classification Process June 2021. Collection method: clinical testing. Allele origin: germline. Affected: yes.
Comment: This variant is associated with the following publications: (PMID: 32764415)

Breakthrough Genomics
Classification: Benign. Review status: criteria provided, single submitter. Criteria: ACMG Guidelines, 2015. Collection method: not provided. Allele origin: germline. Inheritance: Unknown mechanism. Affected: yes.

NM_004645.3(COIL):c.433G>A (p.Val145Ile)

Gene: COIL (coilin; minus strand). Cytogenetic location: 17q22.
Variant type: single nucleotide variant.
Coding change: c.433G>A on transcript NM_004645.3 (MANE Select); coding-DNA position 433, G replaced by A.
Protein change: p.Val145Ile; replaces valine 145 with isoleucine.
Molecular consequence: missense variant.
Genome position (GRCh38, 1-based): chr17:56,950,809, C>T on the plus strand (G>A on the coding strand, the complement: COIL is on the minus strand). VCF-style: chr17-56950809-C-T. GRCh37 (hg19) VCF-style: chr17-55028170-C-T.
Other names: short protein forms V145I.
Identifiers: ClinVar variation 1243158 (VCV001243158.3), dbSNP rs61731978, ClinGen allele CA8664743.